The following is an entry in ClinVar:

NM_000466.3(PEX1):c.1011G>A (p.Lys337=)

Gene: PEX1 (peroxisomal biogenesis factor 1; minus strand). Cytogenetic location: 7q21.2.
Variant type: single nucleotide variant.
Coding change: c.1011G>A on transcript NM_000466.3 (MANE Select); coding-DNA position 1011, G replaced by A.
Protein change: p.Lys337=; no amino-acid change (lysine 337 retained).
Molecular consequence: synonymous variant.
Genome position (GRCh38, 1-based): chr7:92,517,504, C>T on the plus strand (G>A on the coding strand, the complement: PEX1 is on the minus strand). VCF-style: chr7-92517504-C-T. GRCh37 (hg19) VCF-style: chr7-92146818-C-T.
Other names: p.Lys337=; c.1011G>A, p.Lys337= (NM_001282677.2); c.387G>A, p.Lys129= (NM_001282678.2).
Identifiers: ClinVar variation 197674 (VCV000197674.29), dbSNP rs142018583, ClinGen allele CA203013.

ClinVar aggregate classification (germline): Conflicting classifications of pathogenicity. Review status: criteria provided, conflicting classifications (1 of 4 stars). 7 submissions from 7 submitters: Uncertain significance (1); Benign (1); Likely benign (4). 1 of the submissions does not count toward it. Last evaluated 2026-02-01.

Conditions:
Zellweger spectrum disorders (ZS). Also called: Zellweger Spectrum Disorder; Zellweger Spectrum; Zellweger syndrome; Zellweger Spectrum Disorder (ZSD). Identifiers: Orphanet 912, MedGen C0043459, MONDO:0019609.
Peroxisome biogenesis disorder 1A (Zellweger) (PBD1A). Also called: Zellweger leukodystrophy; Peroxisome biogenesis disorder 1a. Identifiers: MedGen C4721541, MONDO:0008953, OMIM 214100.

Allele frequency attached by ClinVar (database versions not stated): gnomAD exomes 0.00013 and 0.00039; ExAC 0.00049; gnomAD 0.00141 and 0.00155; TOPMed 0.00169; 1000 Genomes Project 30x 0.00172; ESP Exome Variant Server 0.00177; 1000 Genomes Project 0.00180.
gnomAD v4.1: 437 of 1,613,922 alleles (0.027%); highest among the groups gnomAD compares: African/African-American, 0.49%; no homozygotes.

Submissions (7):

CeGaT Center for Human Genetics Tuebingen
Classification: Likely benign. Last evaluated: 2026-02-01. Review status: criteria provided, single submitter. Criteria: CeGaT Center For Human Genetics Tuebingen Variant Classification Criteria Version 2. Collection method: clinical testing. Allele origin: germline. Affected: yes. Observed: 1 variant allele.
Comment: PEX1: BP4, BP7

Labcorp Genetics (formerly Invitae), Labcorp
Classification: Benign for Zellweger spectrum disorders. Last evaluated: 2026-01-27. Review status: criteria provided, single submitter. Criteria: Invitae Variant Classification Sherloc (09022015). Collection method: clinical testing. Allele origin: germline.

Mayo Clinic Laboratories, Mayo Clinic
Classification: Likely benign. Last evaluated: 2024-12-03. Review status: criteria provided, single submitter. Criteria: ACMG Guidelines, 2015. Collection method: clinical testing. Allele origin: germline. Observed: 4 variant alleles.
Comment: BS1, BP4, BP7

Blueprint Genetics
Classification: Likely benign. Last evaluated: 2024-10-09. Review status: criteria provided, single submitter. Criteria: ACMG Guidelines, 2015. Collection method: clinical testing. Allele origin: germline.

Illumina Laboratory Services, Illumina
Classification: Uncertain significance for Peroxisome biogenesis disorder 1A (Zellweger). Last evaluated: 2018-01-13. Review status: criteria provided, single submitter. Criteria: ICSL Variant Classification Criteria 13 December 2019. Collection method: clinical testing. Allele origin: germline.

Eurofins Ntd Llc (ga)
Classification: Likely benign. Last evaluated: 2014-12-02. Review status: criteria provided, single submitter. Criteria: EGL Classification Definitions 2015. Collection method: clinical testing. Allele origin: germline. Observed: 1 variant allele, 1 heterozygote.

Natera, Inc.
Classification: Likely benign for Zellweger syndrome. Last evaluated: 2017-05-08. Review status: no assertion criteria provided. Collection method: clinical testing. Allele origin: germline. Not counted in ClinVar's aggregate classification.